The following is an entry in ClinVar:

ClinVar aggregate classification (germline): Benign (0 of 4 stars; one submission).

Conditions:
ATP11C-related disorder. Also called: ATP11C-related condition.

Allele frequency attached by ClinVar (database versions not stated): ESP Exome Variant Server 0.00710; gnomAD exomes 0.01811; gnomAD 0.01893; TOPMed 0.02560; 1000 Genomes Project 30x 0.03018; 1000 Genomes Project 0.03099; ExAC 0.03188.
gnomAD v4.1: 21,826 of 1,191,448 alleles (1.8%); highest among the groups gnomAD compares: East Asian, 14%; 479 homozygotes.

Submissions (12):

PreventionGenetics, part of Exact Sciences
Classification: Benign for ATP11C-related condition. Last evaluated: 2019-04-30. Review status: no assertion criteria provided. Collection method: clinical testing. Allele origin: germline.
Comment: This variant is classified as benign based on ACMG/AMP sequence variant interpretation guidelines (Richards et al. 2015 PMID: 25741868, with internal and published modifications).

Dr. Peter K. Rogan Lab, Western University
No classification provided (evidence only). Condition: Clear cell carcinoma of kidney. Review status: no classification provided. Collection method: in vitro. Allele origin: not applicable. Functional consequence: retained intron. Not counted in ClinVar's aggregate classification.

Dr. Peter K. Rogan Lab, Western University
No classification provided (evidence only). Condition: Lung cancer. Review status: no classification provided. Collection method: in vitro. Allele origin: not applicable. Functional consequence: retained intron. Not counted in ClinVar's aggregate classification.

Dr. Peter K. Rogan Lab, Western University
No classification provided (evidence only). Condition: Uterine corpus endometrial carcinoma. Review status: no classification provided. Collection method: in vitro. Allele origin: not applicable. Functional consequence: skipped exon. Not counted in ClinVar's aggregate classification.

Dr. Peter K. Rogan Lab, Western University
No classification provided (evidence only). Condition: Sarcoma. Review status: no classification provided. Collection method: in vitro. Allele origin: not applicable. Functional consequence: skipped exon. Not counted in ClinVar's aggregate classification.

Dr. Peter K. Rogan Lab, Western University
No classification provided (evidence only). Condition: Thymoma. Review status: no classification provided. Collection method: in vitro. Allele origin: not applicable. Functional consequence: retained intron. Not counted in ClinVar's aggregate classification.

Dr. Peter K. Rogan Lab, Western University
No classification provided (evidence only). Condition: Ovarian serous cystadenocarcinoma. Review status: no classification provided. Collection method: in vitro. Allele origin: not applicable. Functional consequence: retained intron. Not counted in ClinVar's aggregate classification.

Dr. Peter K. Rogan Lab, Western University
No classification provided (evidence only). Condition: Malignant tumor of esophagus. Review status: no classification provided. Collection method: in vitro. Allele origin: not applicable. Functional consequence: retained intron. Not counted in ClinVar's aggregate classification.

Dr. Peter K. Rogan Lab, Western University
No classification provided (evidence only). Condition: Malignant tumor of esophagus. Review status: no classification provided. Collection method: in vitro. Allele origin: not applicable. Functional consequence: retained intron. Not counted in ClinVar's aggregate classification.

Dr. Peter K. Rogan Lab, Western University
No classification provided (evidence only). Condition: Malignant tumor of esophagus. Review status: no classification provided. Collection method: in vitro. Allele origin: not applicable. Functional consequence: retained intron. Not counted in ClinVar's aggregate classification.

Dr. Peter K. Rogan Lab, Western University
No classification provided (evidence only). Condition: Malignant tumor of esophagus. Review status: no classification provided. Collection method: in vitro. Allele origin: not applicable. Functional consequence: retained intron. Not counted in ClinVar's aggregate classification.

Dr. Peter K. Rogan Lab, Western University
No classification provided (evidence only). Condition: Malignant tumor of esophagus. Review status: no classification provided. Collection method: in vitro. Allele origin: not applicable. Functional consequence: retained intron. Not counted in ClinVar's aggregate classification.

NM_001353812.2(ATP11C):c.1556A>G (p.Tyr519Cys)

Gene: ATP11C (ATPase phospholipid transporting 11C (ATP11C blood group); minus strand). Cytogenetic location: Xq27.1.
Variant type: single nucleotide variant.
Coding change: c.1556A>G on transcript NM_001353812.2 (MANE Select); coding-DNA position 1556, A replaced by G.
Protein change: p.Tyr519Cys; replaces tyrosine 519 with cysteine.
Molecular consequence: missense variant.
Genome position (GRCh38, 1-based): chrX:139,787,209, T>C on the plus strand (A>G on the coding strand, the complement: ATP11C is on the minus strand). VCF-style: chrX-139787209-T-C. GRCh37 (hg19) VCF-style: chrX-138869368-T-C.
Other names: NC_000023.10:g.138869368T>C; c.1565A>G, p.Tyr522Cys (NM_001010986.3, NM_173694.5); c.1556A>G, p.Tyr519Cys (NM_001353810.2, NM_001353811.2); short protein forms Y519C, Y522C.
Identifiers: ClinVar variation 3056300 (VCV003056300.3), dbSNP rs17281983, ClinGen allele CA10530969.